The following is an entry in ClinVar:

NM_000207.3(INS):c.308A>G (p.Tyr103Cys)

Genes: INS (insulin; minus strand), INS-IGF2 (INS-IGF2 readthrough; minus strand). Cytogenetic location: 11p15.5.
Variant type: single nucleotide variant.
Coding change: c.308A>G on transcript NM_000207.3 (MANE Select); coding-DNA position 308, A replaced by G.
Protein change: p.Tyr103Cys; replaces tyrosine 103 with cysteine.
Molecular consequence: missense variant. On other transcripts: intron variant (1).
Genome position (GRCh38, 1-based): chr11:2,159,877, T>C on the plus strand (A>G on the coding strand, the complement: INS is on the minus strand). VCF-style: chr11-2159877-T-C. GRCh37 (hg19) VCF-style: chr11-2181107-T-C.
Other names: c.308A>G, p.Tyr103Cys (NM_001185097.2, NM_001185098.2, NM_001291897.2); c.187+908A>G (NM_001042376.3); short protein forms Y103C.
Identifiers: ClinVar variation 68732 (VCV000068732.12), dbSNP rs121908277, ClinGen allele CA266175.
Genomic context (GRCh38, chr11:2,159,877, plus strand): 5'-GAGGCGGCGGGTGTGGGGCTGCCTGCGGGCTGCGTCTAGTTGCAGTAGTTCTCCAGCTGG[T>C]AGAGGGAGCAGATGCTGGTACAGCATTGTTCCACAATGCCACGCTTCTGCAGGGACCCCT-3'
Protein context (NP_000198.1, residues 93-110): EQCCTSICSL[Tyr103Cys]QLENYCN

ClinVar aggregate classification (germline): Conflicting classifications of pathogenicity. Review status: criteria provided, conflicting classifications (1 of 4 stars). 4 submissions from 4 submitters: Likely pathogenic (1); Likely risk allele (1); Uncertain significance (1). 1 of the submissions does not count toward it. Last evaluated 2021-11-06.

Conditions:
Diabetes mellitus, permanent neonatal 4. Also called: INS-Related Permanent Neonatal Diabetes Mellitus. Identifiers: MedGen C5394307, MONDO:0030089, OMIM 618858.
Permanent neonatal diabetes mellitus (PNDM). Identifiers: Orphanet 99885, MedGen C1833104, MONDO:0100164, MONDO:0011643. Disease mechanism: gain of function.

Submissions (4):

Labcorp Genetics (formerly Invitae), Labcorp
Classification: Uncertain significance. Last evaluated: 2021-11-06. Review status: criteria provided, single submitter. Criteria: Invitae Variant Classification Sherloc (09022015). Collection method: clinical testing. Allele origin: germline.
Comment: In summary, the available evidence is currently insufficient to determine the role of this variant in disease. Therefore, it has been classified as a Variant of Uncertain Significance. Algorithms developed to predict the effect of missense changes on protein structure and function are either unavailable or do not agree on the potential impact of this missense change (SIFT: "Deleterious"; PolyPhen-2: "Probably Damaging"; Align-GVGD: "Class C0"). ClinVar contains an entry for this variant (Variation ID: 68732). This missense change has been observed in individual(s) with autosomal dominant permanent neonatal diabetes mellitus and/or INS-related conditions (PMID: 18162506, 30191644). This variant is not present in population databases (gnomAD no frequency). This sequence change replaces tyrosine, which is neutral and polar, with cysteine, which is neutral and slightly polar, at codon 103 of the INS protein (p.Tyr103Cys).

Genetic Services Laboratory, University of Chicago
Classification: Likely pathogenic for Diabetes mellitus, permanent neonatal. Last evaluated: 2017-03-28. Review status: criteria provided, single submitter. Criteria: ACMG Guidelines, 2015. Collection method: clinical testing. Allele origin: germline. Affected: yes.

Clinical Genomics, Uppaluri K&H Personalized Medicine Clinic
Classification: Likely risk allele for Diabetes mellitus, permanent neonatal 4. Review status: criteria provided, single submitter. Criteria: K & H Uppaluri Personalized Medicine Clinic Variant Classification & Assertion Criteria_Updated V.1. Collection method: research. Allele origin: unknown.
Comment: Potent mutations in INS gene can cause early onset diabetes mellitus which is insulin dependent. It may have poor response to sulfonylureas, as mutations in this gene can cause beta cell destruction. Sufficient evidence is found to confer the association of this particular variant rs121908277 with permanent neonatal diabetes mellitus.

UniProtKB/Swiss-Prot
No classification provided. Condition: Permanent neonatal diabetes mellitus. Review status: no classification provided. Collection method: not provided. Allele origin: not provided. Not counted in ClinVar's aggregate classification.

Literature cited by the submitters: PubMed 18162506 (cited by Labcorp Genetics (formerly Invitae), Labcorp and Clinical Genomics, Uppaluri K&H Personalized Medicine Clinic); PubMed 30191644 (cited by Labcorp Genetics (formerly Invitae), Labcorp); PubMed 25542748 (cited by Clinical Genomics, Uppaluri K&H Personalized Medicine Clinic); PubMed 20724178 (cited by Clinical Genomics, Uppaluri K&H Personalized Medicine Clinic); PubMed 20938745 (cited by Clinical Genomics, Uppaluri K&H Personalized Medicine Clinic).